The following is an entry in ClinVar:

NM_201384.3(PLEC):c.735G>C (p.Gln245His)

Gene: PLEC (plectin; minus strand). Cytogenetic location: 8q24.3.
Variant type: single nucleotide variant.
Coding change: c.735G>C on transcript NM_201384.3 (MANE Select); coding-DNA position 735, G replaced by C.
Protein change: p.Gln245His; replaces glutamine 245 with histidine.
Molecular consequence: missense variant.
Genome position (GRCh38, 1-based): chr8:143,935,101, C>G on the plus strand (G>C on the coding strand, the complement: PLEC is on the minus strand). VCF-style: chr8-143935101-C-G. GRCh37 (hg19) VCF-style: chr8-145009269-C-G.
Other names: c.816G>C, p.Gln272His (NM_000445.5); c.693G>C, p.Gln231His (NM_201378.4); c.669G>C, p.Gln223His (NM_201379.3); c.1146G>C, p.Gln382His (NM_201380.4); c.639G>C, p.Gln213His (NM_201381.3); c.735G>C, p.Gln245His (NM_201382.4); c.747G>C, p.Gln249His (NM_201383.3); short protein forms Q245H, Q213H, Q231H, Q249H, Q382H, Q223H, Q272H.
Identifiers: ClinVar variation 810330 (VCV000810330.47), dbSNP rs782586855, ClinGen allele CA4928329.

ClinVar aggregate classification (germline): Uncertain significance. Review status: criteria provided, multiple submitters, no conflicts (2 of 4 stars). 2 submissions from 2 submitters: Uncertain significance (2). Last evaluated 2025-05-01.

Conditions:
Epidermolysis bullosa simplex, Ogna type (EBS5A). Also called: Pidermolysis bullosa simplex 5A, Ogna type; EPIDERMOLYSIS BULLOSA SIMPLEX 5A, OGNA TYPE. Identifiers: Orphanet 79401, MedGen C0432317, MONDO:0007555, OMIM 131950.
Epidermolysis bullosa simplex 5C, with pyloric atresia (EBS5C). Also called: PLEC1-Related Epidermolysis Bullosa with Pyloric Atresia; PLEC-Related Epidermolysis Bullosa with Pyloric Atresia; Epidermolysis bullosa simplex with pyloric atresia. Identifiers: Orphanet 158684, MedGen C2677349, MONDO:0012807, OMIM 612138.
Epidermolysis bullosa simplex 5B, with muscular dystrophy (EBS5B). Also called: Epidermolysis bullosa simplex with muscular dystrophy; EPIDERMOLYSIS BULLOSA SIMPLEX AND LIMB-GIRDLE MUSCULAR DYSTROPHY. Identifiers: Orphanet 257, MedGen C2931072, MONDO:0009181, OMIM 226670.
Epidermolysis bullosa simplex with nail dystrophy (EBS5D). Identifiers: MedGen C4225309, MONDO:0014661, OMIM 616487.
Autosomal recessive limb-girdle muscular dystrophy type 2Q (LGMDR17). Also called: MUSCULAR DYSTROPHY, LIMB-GIRDLE, AUTOSOMAL RECESSIVE 17. Identifiers: Orphanet 254361, MedGen C3150989, MONDO:0013390, OMIM 613723.

Allele frequency attached by ClinVar (database versions not stated): TOPMed below 0.00001; gnomAD 0.00001; gnomAD exomes 0.00001 and 0.00004; ExAC 0.00003.
gnomAD v4.1: 56 of 1,612,906 alleles (0.0035%); highest among the groups gnomAD compares: Non-Finnish European, 0.0046%; no homozygotes.

Submissions (2):

Labcorp Genetics (formerly Invitae), Labcorp
Classification: Uncertain significance for Autosomal recessive limb-girdle muscular dystrophy type 2Q; Epidermolysis bullosa simplex, Ogna type; Epidermolysis bullosa simplex with nail dystrophy; Epidermolysis bullosa simplex 5C, with pyloric atresia; Epidermolysis bullosa simplex 5B, with muscular dystrophy. Last evaluated: 2025-05-01. Review status: criteria provided, single submitter. Criteria: Invitae Variant Classification Sherloc (09022015). Collection method: clinical testing. Allele origin: germline.
Comment: This sequence change replaces glutamine, which is neutral and polar, with histidine, which is basic and polar, at codon 272 of the PLEC protein (p.Gln272His). This variant is present in population databases (rs782586855, gnomAD 0.003%). This variant has not been reported in the literature in individuals affected with PLEC-related conditions. ClinVar contains an entry for this variant (Variation ID: 810330). An algorithm developed to predict the effect of missense changes on protein structure and function outputs the following: PolyPhen-2: "Not Available". The histidine amino acid residue is found in multiple mammalian species, which suggests that this missense change does not adversely affect protein function. In summary, the available evidence is currently insufficient to determine the role of this variant in disease. Therefore, it has been classified as a Variant of Uncertain Significance.

CeGaT Center for Human Genetics Tuebingen
Classification: Uncertain significance. Last evaluated: 2018-01-01. Review status: criteria provided, single submitter. Criteria: CeGaT Center For Human Genetics Tuebingen Variant Classification Criteria Version 2. Collection method: clinical testing. Allele origin: germline. Affected: yes. Observed: 1 variant allele.